The following is an entry in ClinVar:

ClinVar aggregate classification (germline): Pathogenic (1 of 4 stars; one submission).

Submission:

Labcorp Genetics (formerly Invitae), Labcorp
Classification: Pathogenic. Last evaluated: 2023-05-02. Review status: criteria provided, single submitter. Criteria: Invitae Variant Classification Sherloc (09022015). Collection method: clinical testing. Allele origin: unknown.
Comment: For these reasons, this variant has been classified as Pathogenic. This variant has not been reported in the literature in individuals affected with RTTN-related conditions. This variant is a gross deletion of the genomic region encompassing exon(s) 26-32 of the RTTN gene. This deletion is out-of-frame, and is expected to create a premature termination codon and result in an absent or disrupted protein product. Loss-of-function variants in RTTN are known to be pathogenic (PMID: 26608784, 26846091).

Literature cited by the submitters: PubMed 26608784; PubMed 26846091.

NC_000018.9:g.(?_67753829)_(67788956_?)del

Gene: RTTN (rotatin; minus strand). Cytogenetic location: 18q22.2.
Variant type: Deletion.
Identifiers: ClinVar variation 3242823 (VCV003242823.1).